The following is an entry in ClinVar:

NM_000264.5(PTCH1):c.4009G>C (p.Ala1337Pro)

Gene: PTCH1 (patched 1; minus strand). Cytogenetic location: 9q22.32.
Variant type: single nucleotide variant.
Coding change: c.4009G>C on transcript NM_000264.5 (MANE Select); coding-DNA position 4009, G replaced by C.
Protein change: p.Ala1337Pro; replaces alanine 1337 with proline.
Molecular consequence: missense variant. On other transcripts: non-coding transcript variant (1).
Genome position (GRCh38, 1-based): chr9:95,447,247, C>G on the plus strand (G>C on the coding strand, the complement: PTCH1 is on the minus strand). VCF-style: chr9-95447247-C-G. GRCh37 (hg19) VCF-style: chr9-98209529-C-G.
Other names: c.3853G>C, p.Ala1285Pro (NM_001354918.2); c.3811G>C, p.Ala1271Pro (NM_001083602.3); c.4006G>C, p.Ala1336Pro (NM_001083603.3); c.3556G>C, p.Ala1186Pro (NM_001083604.3, NM_001083605.3, NM_001083606.3 and 1 more transcripts); short protein forms A1337P, A1285P, A1186P, A1271P, A1336P.
Identifiers: ClinVar variation 3635831 (VCV003635831.2).

ClinVar aggregate classification (germline): Uncertain significance (1 of 4 stars; one submission).

Conditions:
Gorlin syndrome. Also called: Nevoid Basal Cell Carcinoma Syndrome; Basal cell nevus syndrome. Identifiers: Orphanet 377, MedGen C0004779, MONDO:0007187.

Submission:

Labcorp Genetics (formerly Invitae), Labcorp
Classification: Uncertain significance for Gorlin syndrome. Last evaluated: 2024-09-19. Review status: criteria provided, single submitter. Criteria: Invitae Variant Classification Sherloc (09022015). Collection method: clinical testing. Allele origin: germline.
Comment: This sequence change replaces alanine, which is neutral and non-polar, with proline, which is neutral and non-polar, at codon 1337 of the PTCH1 protein (p.Ala1337Pro). This variant is not present in population databases (gnomAD no frequency). This variant has not been reported in the literature in individuals affected with PTCH1-related conditions. Invitae Evidence Modeling of protein sequence and biophysical properties (such as structural, functional, and spatial information, amino acid conservation, physicochemical variation, residue mobility, and thermodynamic stability) indicates that this missense variant is not expected to disrupt PTCH1 protein function with a negative predictive value of 95%. In summary, the available evidence is currently insufficient to determine the role of this variant in disease. Therefore, it has been classified as a Variant of Uncertain Significance.